The following is an entry in ClinVar:

ClinVar aggregate classification (germline): Uncertain significance (1 of 4 stars; one submission).

Submission:

Ambry Genetics
Classification: Uncertain significance. Last evaluated: 2023-03-22. Review status: criteria provided, single submitter. Criteria: Ambry Variant Classification Scheme 2023. Collection method: clinical testing. Allele origin: germline.
Comment: The p.E131A variant (also known as c.392A>C), located in coding exon 4 of the BUB1 gene, results from an A to C substitution at nucleotide position 392. The glutamic acid at codon 131 is replaced by alanine, an amino acid with dissimilar properties. This amino acid position is conserved. In addition, this alteration is predicted to be tolerated by in silico analysis. Since supporting evidence is limited at this time, the clinical significance of this alteration remains unclear.

NM_004336.5(BUB1):c.392A>C (p.Glu131Ala)

Gene: BUB1 (BUB1 mitotic checkpoint serine/threonine kinase; minus strand). Cytogenetic location: 2q13.
Variant type: single nucleotide variant.
Coding change: c.392A>C on transcript NM_004336.5 (MANE Select); coding-DNA position 392, A replaced by C.
Protein change: p.Glu131Ala; replaces glutamic acid 131 with alanine.
Molecular consequence: missense variant.
Genome position (GRCh38, 1-based): chr2:110,672,691, T>G on the plus strand (A>C on the coding strand, the complement: BUB1 is on the minus strand). VCF-style: chr2-110672691-T-G. GRCh37 (hg19) VCF-style: chr2-111430268-T-G.
Other names: c.332A>C, p.Glu111Ala (NM_001278616.2); c.392A>C, p.Glu131Ala (NM_001278617.2); short protein forms E111A, E131A.
Identifiers: ClinVar variation 2562174 (VCV002562174.2), dbSNP rs144099740, ClinGen allele CA348220380.